The following is an entry in ClinVar:

ClinVar aggregate classification (germline): Likely pathogenic (1 of 4 stars; one submission).

Conditions:
Cardiovascular phenotype. Identifiers: MedGen CN230736.

Submission:

Ambry Genetics
Classification: Likely pathogenic for Cardiovascular phenotype. Last evaluated: 2024-09-18. Review status: criteria provided, single submitter. Criteria: Ambry Variant Classification Scheme 2023. Collection method: clinical testing. Allele origin: germline.
Comment: The c.66680_66682delATAinsTT variant, located in coding exon 166 of the TTN gene, results from the deletion of three nucleotides and insertion of two nucleotides causing a translational frameshift with a predicted alternate stop codon (p.N22227Ifs*21). This exon is located in the A-band region of the N2-B isoform of the titin protein and is constitutively expressed in TTN transcripts (percent spliced in or PSI 100%). This variant is considered to be rare based on population cohorts in the Genome Aggregation Database (gnomAD). This alteration is expected to result in loss of function by premature protein truncation or nonsense-mediated mRNA decay. While truncating variants in TTN are present in 1-3% of the general population, truncating variants in the A-band are the most common cause of dilated cardiomyopathy (DCM) (Herman DS et al. N. Engl. J. Med., 2012 Feb;366:619-28; Roberts AM et al. Sci Transl Med, 2015 Jan;7:270ra6). TTN truncating variants encoded in constitutive exons (PSI >90%) have been found to be significantly associated with DCM regardless of their position in titin (Schafer S et al. Nat. Genet., 2017 01;49:46-53). Based on the majority of available evidence to date, this variant is likely to be pathogenic.

NM_001267550.2(TTN):c.93875_93877delinsTT (p.Asn31292fs)

Genes: TTN (titin; minus strand), TTN-AS1 (TTN antisense RNA 1; plus strand). Cytogenetic location: 2q31.2.
Variant type: Indel.
Coding change: c.93875_93877delinsTT on transcript NM_001267550.2 (MANE Select); coding-DNA positions 93875 to 93877, ATA replaced by TT.
Protein change: p.Asn31292fs; shifts the reading frame from asparagine 31292.
Molecular consequence: frameshift variant.
Genome position (GRCh38, 1-based): chr2:178,547,749-178,547,751, TAT replaced by AA on the plus strand (ATA replaced by TT on the coding strand, the reverse complement: TTN is on the minus strand). VCF-style: chr2-178547749-TAT-AA. GRCh37 (hg19) VCF-style: chr2-179412476-TAT-AA.
Other names: c.88952_88954delinsTT, p.Asn29651fs (NM_001256850.1); c.66680_66682delinsTT, p.Asn22227fs (NM_003319.4); c.86171_86173delinsTT, p.Asn28724fs (NM_133378.4); c.67055_67057delinsTT, p.Asn22352fs (NM_133432.3); c.67256_67258delinsTT, p.Asn22419fs (NM_133437.4); c.66680_66682delATAinsTT (NM_003319.4); short protein forms N28724fs, N31292fs, N22352fs, N29651fs, N22227fs, N22419fs.
Identifiers: ClinVar variation 3463780 (VCV003463780.1).